The following is an entry in ClinVar:

ClinVar aggregate classification (germline): Pathogenic (1 of 4 stars; one submission).

Conditions:
Familial hypobetalipoproteinemia 1. Also called: APOB-Related Familial Hypobetalipoproteinemia; Hypobetalipoproteinemia, normotriglyceridemic; Acanthocytosis with hypobetalipoproteinemia. Identifiers: MedGen C4551990, MONDO:0014252, OMIM 615558.
Hypercholesterolemia, autosomal dominant, type B (FHCL2). Also called: Familial Hypercholesterolemia Type B; APOLIPOPROTEIN B-100, FAMILIAL DEFECTIVE; APOLIPOPROTEIN B-100, FAMILIAL LIGAND-DEFECTIVE; HYPERCHOLESTEROLEMIA, FAMILIAL, DUE TO LIGAND-DEFECTIVE APOLIPOPROTEIN B; APOB-Related Familial Hypercholesterolemia, Autosomal Dominant; Familial hypercholesterolemia 2. Identifiers: MedGen C1704417, MONDO:0007751, OMIM 144010.

Allele frequency attached by ClinVar (database versions not stated): gnomAD exomes below 0.00001.

Submission:

Labcorp Genetics (formerly Invitae), Labcorp
Classification: Pathogenic for Familial hypobetalipoproteinemia 1; Hypercholesterolemia, autosomal dominant, type B. Last evaluated: 2020-12-28. Review status: criteria provided, single submitter. Criteria: Invitae Variant Classification Sherloc (09022015). Collection method: clinical testing. Allele origin: germline.
Comment: For these reasons, this variant has been classified as Pathogenic. This variant has not been reported in the literature in individuals with APOB-related conditions. This variant is not present in population databases (ExAC no frequency). This sequence change creates a premature translational stop signal (p.Phe3320Leufs*7) in the APOB gene. It is expected to result in an absent or disrupted protein product. Loss-of-function variants in APOB are known to be pathogenic (PMID: 20032471).

Literature cited by the submitters: PubMed 20032471.

NM_000384.3(APOB):c.9960del (p.Phe3320fs)

Gene: APOB (apolipoprotein B; minus strand). Cytogenetic location: 2p24.1.
Variant type: Deletion.
Coding change: c.9960del on transcript NM_000384.3 (MANE Select); coding-DNA position 9960, one base deleted (C; older notation c.9960delC).
Protein change: p.Phe3320fs; shifts the reading frame from phenylalanine 3320.
Molecular consequence: frameshift variant.
Genome position (GRCh38, 1-based): chr2:21,006,908, G deleted on the plus strand (C on the coding strand, the reverse complement: APOB is on the minus strand). VCF-style (leftmost placement, unchanged base first): chr2-21006907-TG-T. GRCh37 (hg19) VCF-style: chr2-21229779-TG-T.
Other names: short protein forms F3320fs.
Identifiers: ClinVar variation 1406951 (VCV001406951.6), dbSNP rs2103352410, ClinGen allele CA2573134393.